The following is an entry in ClinVar:

ClinVar aggregate classification (germline): Likely benign. Review status: reviewed by expert panel (3 of 4 stars). 11 submissions from 11 submitters: Likely benign (1). 10 of the submissions do not count toward it. Last evaluated 2019-06-27.

Conditions:
SOS1-related disorder. Also called: SOS1-related condition.
Noonan syndrome and Noonan-related syndrome. Identifiers: Orphanet 98733, MedGen C5681679, MONDO:0020297.
Cardiovascular phenotype. Identifiers: MedGen CN230736.
RASopathy. Also called: rasopathies; Noonan spectrum disorder. Identifiers: Orphanet 536391, MedGen C5555857, MONDO:0021060.

Allele frequency attached by ClinVar (database versions not stated): TOPMed 0.00012; gnomAD 0.00013; ESP Exome Variant Server 0.00023; 1000 Genomes Project 30x 0.00031.
gnomAD v4.1: 389 of 1,613,894 alleles (0.024%); highest among the groups gnomAD compares: Non-Finnish European, 0.032%; no homozygotes.

Submissions (11):

ClinGen RASopathy Variant Curation Expert Panel
Classification: Likely benign for Noonan syndrome and Noonan-related syndrome. Last evaluated: 2019-06-27. Review status: reviewed by expert panel. Criteria: ClinGen RASopathy ACMG Specifications v1. Collection method: curation. Allele origin: germline. Inheritance: Autosomal dominant inheritance.
Comment: The c.3600C>G (p.Asp1200Glu) variant in the SOS1 gene has been identified in at least 6 individuals without detailed phenotypic information as well as one patient with an alternative molecular basis for disease in the BRAF gene (BP5; EGL, Invitae, GeneDx internal data, GTR Lab ID: 500060, 500031, 26957; SCV000854873.1, SCV000553268.3, SCV000209087.11). The filtering allele frequency of the c.3600C>G (p.Asp1200Glu) variant is 0.025% for European (non-Finnish) exomes by the gnomAD database (40/251300 with 95% CI) which is strong evidence to suggest that the variant may be benign based on thresholds defined by the ClinGen RASopathy Expert Panel for autosomal dominant RASopathy variants (BS1). Of note, the c.3600C>A change that also results in p.Asp1200Glu has been identified in one patient with a RASopathy but this variant has not met criteria to be classified as pathogenic and therefore PM5 is not met (Partners LMM internal data; GTR Lab ID: 21766; SCV000062231.5). Computational prediction tools and conservation analysis suggest that the p.Asp1200Glu variant does not impact the protein (BP4). In summary, this variant meets criteria to be classified as likely benign. RASopathy-specific ACMG/AMP criteria applied (PMID:29493581): BS1, BP4, BP5.

Labcorp Genetics (formerly Invitae), Labcorp
Classification: Likely benign for RASopathy. Last evaluated: 2026-01-07. Review status: criteria provided, single submitter. Criteria: Invitae Variant Classification Sherloc (09022015). Collection method: clinical testing. Allele origin: germline. Not counted in ClinVar's aggregate classification.

CeGaT Center for Human Genetics Tuebingen
Classification: Likely benign. Last evaluated: 2025-07-01. Review status: criteria provided, single submitter. Criteria: CeGaT Center For Human Genetics Tuebingen Variant Classification Criteria Version 2. Collection method: clinical testing. Allele origin: germline. Affected: yes. Observed: 2 variant alleles. Not counted in ClinVar's aggregate classification.
Comment: SOS1: BS1

Women's Health and Genetics/Laboratory Corporation of America, LabCorp
Classification: Likely benign. Last evaluated: 2024-12-09. Review status: criteria provided, single submitter. Criteria: LabCorp Variant Classification Summary - May 2015. Collection method: clinical testing. Allele origin: germline. Not counted in ClinVar's aggregate classification.
Comment: Variant summary: SOS1 c.3600C>G (p.Asp1200Glu) results in a conservative amino acid change in the encoded protein sequence. Four of five in-silico tools predict a benign effect of the variant on protein function. The variant allele was found at a frequency of 0.00016 in 251300 control chromosomes, predominantly at a frequency of 0.00034 within the Non-Finnish European subpopulation in the gnomAD database. The observed variant frequency within Non-Finnish European control individuals in the gnomAD database is approximately 11 fold of the estimated maximal expected allele frequency for a pathogenic variant in SOS1 causing Noonan Syndrome phenotype (3e-05). To our knowledge, no occurrence of c.3600C>G in individuals affected with Noonan Syndrome and no experimental evidence demonstrating its impact on protein function have been reported. ClinVar contains an entry for this variant (Variation ID: 40733). Based on the evidence outlined above, the variant was classified as likely benign.

Blueprint Genetics
Classification: Likely benign. Last evaluated: 2024-11-25. Review status: criteria provided, single submitter. Criteria: ACMG Guidelines, 2015. Collection method: clinical testing. Allele origin: germline. Not counted in ClinVar's aggregate classification.

GeneDx
Classification: Likely benign. Last evaluated: 2024-07-15. Review status: criteria provided, single submitter. Criteria: GeneDx Variant Classification Process June 2021. Collection method: clinical testing. Allele origin: germline. Affected: yes. Not counted in ClinVar's aggregate classification.
Comment: See Variant Classification Assertion Criteria.

Ambry Genetics
Classification: Likely benign for Cardiovascular phenotype. Last evaluated: 2019-09-10. Review status: criteria provided, single submitter. Criteria: Ambry Variant Classification Scheme 2023. Collection method: clinical testing. Allele origin: germline. Not counted in ClinVar's aggregate classification.

Eurofins Ntd Llc (ga)
Classification: Uncertain significance. Last evaluated: 2017-07-21. Review status: criteria provided, single submitter. Criteria: EGL Classification Definitions 2015. Collection method: clinical testing. Allele origin: germline. Observed: 2 variant alleles, 2 heterozygotes. Not counted in ClinVar's aggregate classification.

PreventionGenetics, part of Exact Sciences
Classification: Likely benign for SOS1-related condition. Last evaluated: 2020-07-02. Review status: no assertion criteria provided. Collection method: clinical testing. Allele origin: germline. Not counted in ClinVar's aggregate classification.
Comment: This variant is classified as likely benign based on ACMG/AMP sequence variant interpretation guidelines (Richards et al. 2015 PMID: 25741868, with internal and published modifications).

Clinical Genetics DNA and cytogenetics Diagnostics Lab, Erasmus MC, Erasmus Medical Center
Classification: Likely benign. Review status: no assertion criteria provided. Collection method: clinical testing. Allele origin: germline. Affected: yes. Study: VKGL Data-share Consensus. Not counted in ClinVar's aggregate classification.

Joint Genome Diagnostic Labs from Nijmegen and Maastricht, Radboudumc and MUMC+
Classification: Likely benign. Review status: no assertion criteria provided. Collection method: clinical testing. Allele origin: germline. Affected: yes. Study: VKGL Data-share Consensus. Not counted in ClinVar's aggregate classification.

Literature cited by the submitters: PubMed 27236105 (cited by Women's Health and Genetics/Laboratory Corporation of America, LabCorp).

NM_005633.4(SOS1):c.3600C>G (p.Asp1200Glu)

Gene: SOS1 (SOS Ras/Rac guanine nucleotide exchange factor 1; minus strand). Cytogenetic location: 2p22.1.
Variant type: single nucleotide variant.
Coding change: c.3600C>G on transcript NM_005633.4 (MANE Select); coding-DNA position 3600, C replaced by G.
Protein change: p.Asp1200Glu; replaces aspartic acid 1200 with glutamic acid.
Molecular consequence: missense variant.
Genome position (GRCh38, 1-based): chr2:38,986,226, G>C on the plus strand (C>G on the coding strand, the complement: SOS1 is on the minus strand). VCF-style: chr2-38986226-G-C. GRCh37 (hg19) VCF-style: chr2-39213367-G-C.
Other names: p.D1200E:GAC>GAG; NM_005633.3(SOS1):c.3600C>G; c.3579C>G, p.Asp1193Glu (NM_001382394.1); c.3555C>G, p.Asp1185Glu (NM_001382395.1); short protein forms D1200E, D1185E, D1193E.
Identifiers: ClinVar variation 40733 (VCV000040733.53), dbSNP rs141594736, ClinGen allele CA297240.